The following is an entry in ClinVar:

NM_001035.3(RYR2):c.1043G>A (p.Gly348Asp)

Gene: RYR2 (ryanodine receptor 2; plus strand). Cytogenetic location: 1q43.
Variant type: single nucleotide variant.
Coding change: c.1043G>A on transcript NM_001035.3 (MANE Select); coding-DNA position 1043, G replaced by A.
Protein change: p.Gly348Asp; replaces glycine 348 with aspartic acid.
Molecular consequence: missense variant.
Genome position (GRCh38, 1-based): chr1:237,441,356, G>A. VCF-style: chr1-237441356-G-A. GRCh37 (hg19) VCF-style: chr1-237604656-G-A.
Other names: short protein forms G348D.
Identifiers: ClinVar variation 1044625 (VCV001044625.15), dbSNP rs747138259, ClinGen allele CA084321.
Genomic context (GRCh38, chr1:237,441,356, plus strand): 5'-TTTTTTTCCTCCTCTCCCCTTAGGAAAAATTGGATGTAGGGGTGAGAAAAGAAGTAGATG[G>A]CATGGGAACATCTGAAATAAAATACGGTGACTCAGTATGCTATATACAACATGTAGACAC-3'
Protein context (NP_001026.2, residues 338-358): LDVGVRKEVD[Gly348Asp]MGTSEIKYGD

ClinVar aggregate classification (germline): Uncertain significance. Review status: criteria provided, multiple submitters, no conflicts (2 of 4 stars). 4 submissions from 4 submitters: Uncertain significance (4). Last evaluated 2025-09-22.

Conditions:
Cardiomyopathy (CMYO). Also called: Cardiomyopathies. Identifiers: Orphanet 167848, MedGen C0878544, MONDO:0004994, HP:0001638. Inheritance: Various modes of inheritance.
Arrhythmogenic right ventricular dysplasia 2. Identifiers: MedGen C1832931.
Ventricular arrhythmias due to cardiac ryanodine receptor calcium release deficiency syndrome. Also called: Autosomal dominant cardiac arrhythmia (Kuhn). Identifiers: MedGen C5542154, MONDO:0020745, OMIM 115000.
Catecholaminergic polymorphic ventricular tachycardia 1. Also called: VENTRICULAR TACHYCARDIA, CATECHOLAMINERGIC POLYMORPHIC, 1, WITH OR WITHOUT ATRIAL DYSFUNCTION AND/OR DILATED CARDIOMYOPATHY; VENTRICULAR TACHYCARDIA, STRESS-INDUCED POLYMORPHIC 1; RYR2-Related Catecholaminergic Polymorphic Ventricular Tachycardia. Identifiers: Orphanet 3286, MedGen C1631597, MONDO:0011484, OMIM 604772.

Allele frequency attached by ClinVar (database versions not stated): gnomAD exomes 0.00001; ExAC 0.00002.
gnomAD v4.1: 8 of 1,613,692 alleles (0.0005%); highest among the groups gnomAD compares: Non-Finnish European, 0.00068%; no homozygotes.

Submissions (4):

Labcorp Genetics (formerly Invitae), Labcorp
Classification: Uncertain significance for Catecholaminergic polymorphic ventricular tachycardia 1. Last evaluated: 2025-09-22. Review status: criteria provided, single submitter. Criteria: Invitae Variant Classification Sherloc (09022015). Collection method: clinical testing. Allele origin: germline.
Comment: This sequence change replaces glycine, which is neutral and non-polar, with aspartic acid, which is acidic and polar, at codon 348 of the RYR2 protein (p.Gly348Asp). This variant is present in population databases (rs747138259, gnomAD 0.003%). This variant has not been reported in the literature in individuals affected with RYR2-related conditions. ClinVar contains an entry for this variant (Variation ID: 1044625). Invitae Evidence Modeling of protein sequence and biophysical properties (such as structural, functional, and spatial information, amino acid conservation, physicochemical variation, residue mobility, and thermodynamic stability) has been performed for this missense variant. However, the output from this modeling did not meet the statistical confidence thresholds required to predict the impact of this variant on RYR2 protein function. In summary, the available evidence is currently insufficient to determine the role of this variant in disease. Therefore, it has been classified as a Variant of Uncertain Significance.

Fulgent Genetics
Classification: Uncertain significance for Ventricular arrhythmias due to cardiac ryanodine receptor calcium release deficiency syndrome; Catecholaminergic polymorphic ventricular tachycardia 1. Last evaluated: 2021-08-27. Review status: criteria provided, single submitter. Criteria: ACMG Guidelines, 2015. Collection method: clinical testing. Allele origin: unknown.

CHEO Genetics Diagnostic Laboratory, Children's Hospital of Eastern Ontario
Classification: Uncertain significance for Cardiomyopathy. Last evaluated: 2019-05-08. Review status: criteria provided, single submitter. Criteria: ACMG Guidelines, 2015. Collection method: clinical testing. Allele origin: germline.

GeneDx
Classification: Uncertain significance. Last evaluated: 2019-04-11. Review status: criteria provided, single submitter. Criteria: GeneDx Variant Classification Process June 2021. Collection method: clinical testing. Allele origin: germline. Affected: yes.
Comment: Located in one of the three hot-spot regions of the RYR2 gene, where the majority of pathogenic missense variants occur (Medeiros-Domingo et al., 2009); In silico analysis, which includes protein predictors and evolutionary conservation, supports a deleterious effect; Not observed at a significant frequency in large population cohorts (Lek et al., 2016); Has not been previously published as pathogenic or benign to our knowledge